The following is an entry in ClinVar:

NM_002637.4(PHKA1):c.812_813dup (p.Asp272fs)

Gene: PHKA1 (phosphorylase kinase regulatory subunit alpha 1; minus strand). Cytogenetic location: Xq13.1.
Variant type: Microsatellite.
Coding change: c.812_813dup on transcript NM_002637.4 (MANE Select); coding-DNA positions 812 to 813, 2 bases duplicated (AG; older notation c.812_813dupAG).
Protein change: p.Asp272fs; shifts the reading frame from aspartic acid 272.
Molecular consequence: frameshift variant.
Genome position (GRCh38, 1-based): chrX:72,666,202-72,666,203, CT duplicated on the plus strand (AG on the coding strand, the reverse complement: PHKA1 is on the minus strand); duplicating any 2 consecutive bases within chrX:72,666,202-72,666,205 gives the same sequence; the c. name uses the placement nearest the transcript's 3' end. VCF-style (leftmost placement, unchanged base first): chrX-72666201-C-CCT. GRCh37 (hg19) VCF-style: chrX-71886051-C-CCT.
Other names: c.812_813dup, p.Asp272fs (NM_001122670.2, NM_001172436.2); short protein forms D272fs.
Identifiers: ClinVar variation 1413850 (VCV001413850.6), dbSNP rs2147779873, ClinGen allele CA2580612360.

ClinVar aggregate classification (germline): Pathogenic (1 of 4 stars; one submission).

Conditions:
Glycogen storage disease IXd (GSD9D). Also called: GSD IXd; Muscle Phosphorylase Kinase Deficiency. Identifiers: Orphanet 715, MedGen C1845151, MONDO:0010362, OMIM 300559.

Submission:

Labcorp Genetics (formerly Invitae), Labcorp
Classification: Pathogenic for Glycogen storage disease IXd. Last evaluated: 2022-09-14. Review status: criteria provided, single submitter. Criteria: Invitae Variant Classification Sherloc (09022015). Collection method: clinical testing. Allele origin: germline.
Comment: This sequence change creates a premature translational stop signal (p.Asp272Argfs*48) in the PHKA1 gene. It is expected to result in an absent or disrupted protein product. Loss-of-function variants in PHKA1 are known to be pathogenic (PMID: 9731190, 15637709). This variant is not present in population databases (gnomAD no frequency). This variant has not been reported in the literature in individuals affected with PHKA1-related conditions. For these reasons, this variant has been classified as Pathogenic.

Literature cited by the submitters: PubMed 9731190; PubMed 15637709.